The following is an entry in ClinVar:

ClinVar aggregate classification (germline): Uncertain significance. Review status: criteria provided, multiple submitters, no conflicts (2 of 4 stars). 2 submissions from 2 submitters: Uncertain significance (2). Last evaluated 2022-08-16.

Allele frequency attached by ClinVar (database versions not stated): ExAC 0.00013; gnomAD exomes 0.00018 and 0.00035; gnomAD 0.00024 and 0.00026; ESP Exome Variant Server 0.00038.
gnomAD v4.1: 530 of 1,611,084 alleles (0.033%); highest among the groups gnomAD compares: Non-Finnish European, 0.044%; 1 homozygote.

Submissions (2):

Labcorp Genetics (formerly Invitae), Labcorp
Classification: Uncertain significance. Last evaluated: 2022-08-16. Review status: criteria provided, single submitter. Criteria: Invitae Variant Classification Sherloc (09022015). Collection method: clinical testing. Allele origin: germline.
Comment: This sequence change replaces threonine, which is neutral and polar, with asparagine, which is neutral and polar, at codon 1097 of the CCDC88A protein (p.Thr1097Asn). This variant is present in population databases (rs142635650, gnomAD 0.04%). This variant has not been reported in the literature in individuals affected with CCDC88A-related conditions. ClinVar contains an entry for this variant (Variation ID: 1504093). Algorithms developed to predict the effect of missense changes on protein structure and function are either unavailable or do not agree on the potential impact of this missense change (SIFT: "Deleterious"; PolyPhen-2: "Possibly Damaging"; Align-GVGD: "Class C0"). In summary, the available evidence is currently insufficient to determine the role of this variant in disease. Therefore, it has been classified as a Variant of Uncertain Significance.

Ambry Genetics
Classification: Uncertain significance. Last evaluated: 2021-08-23. Review status: criteria provided, single submitter. Criteria: Ambry Variant Classification Scheme 2023. Collection method: clinical testing. Allele origin: germline.

NM_001365480.1(CCDC88A):c.3293C>A (p.Thr1098Asn)

Gene: CCDC88A (coiled-coil domain containing 88A; minus strand). Cytogenetic location: 2p16.1.
Variant type: single nucleotide variant.
Coding change: c.3293C>A on transcript NM_001365480.1 (MANE Select); coding-DNA position 3293, C replaced by A.
Protein change: p.Thr1098Asn; replaces threonine 1098 with asparagine.
Molecular consequence: missense variant.
Genome position (GRCh38, 1-based): chr2:55,318,874, G>T on the plus strand (C>A on the coding strand, the complement: CCDC88A is on the minus strand). VCF-style: chr2-55318874-G-T. GRCh37 (hg19) VCF-style: chr2-55546010-G-T.
Other names: c.3290C>A, p.Thr1097Asn (NM_001135597.2, NM_001254943.2); c.3293C>A, p.Thr1098Asn (NM_018084.5); c.3290C>A (NM_001135597.1); short protein forms T1098N, T1097N.
Identifiers: ClinVar variation 1504093 (VCV001504093.4), dbSNP rs142635650, ClinGen allele CA1665807.